The following is an entry in ClinVar:

ClinVar aggregate classification (germline): Uncertain significance (1 of 4 stars; one submission).

Allele frequency attached by ClinVar (database versions not stated): gnomAD exomes below 0.00001.
gnomAD v4.1: 5 of 1,614,202 alleles (0.00031%); highest among the groups gnomAD compares: East Asian, 0.0022%; no homozygotes.

Submission:

GeneDx
Classification: Uncertain significance. Last evaluated: 2019-10-29. Review status: criteria provided, single submitter. Criteria: GeneDx Variant Classification Process June 2021. Collection method: clinical testing. Allele origin: germline. Affected: yes.
Comment: Not observed in large population cohorts (Lek et al., 2016); In silico analysis, which includes protein predictors and evolutionary conservation, supports a deleterious effect; Has not been previously published as pathogenic or benign to our knowledge

NM_152296.5(ATP1A3):c.2486C>T (p.Pro829Leu)

Gene: ATP1A3 (ATPase Na+/K+ transporting subunit alpha 3; minus strand). Cytogenetic location: 19q13.2.
Variant type: single nucleotide variant.
Coding change: c.2486C>T on transcript NM_152296.5 (MANE Select); coding-DNA position 2486, C replaced by T.
Protein change: p.Pro829Leu; replaces proline 829 with leucine.
Molecular consequence: missense variant.
Genome position (GRCh38, 1-based): chr19:41,970,241, G>A on the plus strand (C>T on the coding strand, the complement: ATP1A3 is on the minus strand). VCF-style: chr19-41970241-G-A. GRCh37 (hg19) VCF-style: chr19-42474393-G-A.
Other names: c.2519C>T, p.Pro840Leu (NM_001256213.2); c.2525C>T, p.Pro842Leu (NM_001256214.2); short protein forms P829L, P840L, P842L.
Identifiers: ClinVar variation 1309814 (VCV001309814.2), dbSNP rs2145947520, ClinGen allele CA406038768.